The following is an entry in ClinVar:

NM_194248.3(OTOF):c.3247G>A (p.Ala1083Thr)

Gene: OTOF (otoferlin; minus strand). Cytogenetic location: 2p23.3.
Variant type: single nucleotide variant.
Coding change: c.3247G>A on transcript NM_194248.3 (MANE Select); coding-DNA position 3247, G replaced by A.
Protein change: p.Ala1083Thr; replaces alanine 1083 with threonine.
Molecular consequence: missense variant.
Genome position (GRCh38, 1-based): chr2:26,474,554, C>T on the plus strand (G>A on the coding strand, the complement: OTOF is on the minus strand). VCF-style: chr2-26474554-C-T. GRCh37 (hg19) VCF-style: chr2-26697422-C-T.
Other names: c.3247G>A, p.Ala1083Thr (NM_001287489.2); c.1006G>A, p.Ala336Thr (NM_004802.4, NM_194323.3); c.1177G>A, p.Ala393Thr (NM_194322.3); short protein forms A1083T, A336T, A393T.
Identifiers: ClinVar variation 1800474 (VCV001800474.1), dbSNP rs80356574, ClinGen allele CA1563617.

ClinVar aggregate classification (germline): Uncertain significance (1 of 4 stars; one submission).

Allele frequency attached by ClinVar (database versions not stated): 1000 Genomes Project 30x 0.00031.
gnomAD v4.1: 24 of 1,612,898 alleles (0.0015%); highest among the groups gnomAD compares: African/African-American, 0.0027%; no homozygotes.

Submission:

GeneDx
Classification: Uncertain significance. Last evaluated: 2022-05-18. Review status: criteria provided, single submitter. Criteria: GeneDx Variant Classification Process June 2021. Collection method: clinical testing. Allele origin: germline. Affected: yes.
Comment: Not observed at significant frequency in large population cohorts (gnomAD); In silico analysis supports that this missense variant does not alter protein structure/function; Has not been previously published as pathogenic or benign to our knowledge